The following is an entry in ClinVar:

ClinVar aggregate classification (germline): Uncertain significance (1 of 4 stars; one submission).

Conditions:
Dilated cardiomyopathy 1G (CMD1G). Identifiers: Orphanet 154, MedGen C1858763, MONDO:0011400, OMIM 604145.
Autosomal recessive limb-girdle muscular dystrophy type 2J (LGMDR10). Also called: Limb-girdle muscular dystrophy, type 2J; MUSCULAR DYSTROPHY, LIMB-GIRDLE, AUTOSOMAL RECESSIVE 10. Identifiers: Orphanet 140922, MedGen C1837342, MONDO:0012127, OMIM 608807.

Submission:

Labcorp Genetics (formerly Invitae), Labcorp
Classification: Uncertain significance for Dilated cardiomyopathy 1G; Autosomal recessive limb-girdle muscular dystrophy type 2J. Last evaluated: 2023-03-27. Review status: criteria provided, single submitter. Criteria: Invitae Variant Classification Sherloc (09022015). Collection method: clinical testing. Allele origin: germline.
Comment: In summary, the available evidence is currently insufficient to determine the role of this variant in disease. Therefore, it has been classified as a Variant of Uncertain Significance. Experimental studies and prediction algorithms are not available or were not evaluated, and the functional significance of this variant is currently unknown. This variant has not been reported in the literature in individuals affected with TTN-related conditions. This variant is not present in population databases (gnomAD no frequency). This sequence change replaces glutamine, which is neutral and polar, with lysine, which is basic and polar, at codon 35176 of the TTN protein (p.Gln35176Lys). This variant is located in the M band of TTN (PMID: 25589632). Variants in this region may be relevant for neuromuscular disorders, but have not been definitively shown to cause cardiomyopathy (PMID: 23975875).

Literature cited by the submitters: PubMed 25589632; PubMed 23975875.

NM_001267550.2(TTN):c.105526C>A (p.Gln35176Lys)

Genes: TTN (titin; minus strand), TTN-AS1 (TTN antisense RNA 1; plus strand), LOC129935184 (ATAC-STARR-seq lymphoblastoid active region 16809; plus strand). Cytogenetic location: 2q31.2.
Variant type: single nucleotide variant.
Coding change: c.105526C>A on transcript NM_001267550.2 (MANE Select); coding-DNA position 105526, C replaced by A.
Protein change: p.Gln35176Lys; replaces glutamine 35176 with lysine.
Molecular consequence: missense variant.
Genome position (GRCh38, 1-based): chr2:178,531,089, G>T on the plus strand (C>A on the coding strand, the complement: TTN is on the minus strand). VCF-style: chr2-178531089-G-T. GRCh37 (hg19) VCF-style: chr2-179395816-G-T.
Other names: c.100603C>A, p.Gln33535Lys (NM_001256850.1); c.78331C>A, p.Gln26111Lys (NM_003319.4); c.97822C>A, p.Gln32608Lys (NM_133378.4); c.78706C>A, p.Gln26236Lys (NM_133432.3); c.78907C>A, p.Gln26303Lys (NM_133437.4); short protein forms Q32608K, Q26111K, Q33535K, Q26236K, Q26303K, Q35176K.
Identifiers: ClinVar variation 2945883 (VCV002945883.3), dbSNP rs2468396246, ClinGen allele CA349408597.